The following is an entry in ClinVar:

ClinVar aggregate classification (germline): Benign. Review status: reviewed by expert panel (3 of 4 stars). 2 submissions from 2 submitters: Benign (1). 1 of the submissions does not count toward it. Last evaluated 2015-01-12.

Conditions:
Breast-ovarian cancer, familial, susceptibility to, 1 (BROVCA1). Also called: BRCA1 Hereditary Breast and Ovarian Cancer; OVARIAN CANCER, SUSCEPTIBILITY TO. Identifiers: Orphanet 145, MedGen C2676676, MONDO:0011450, OMIM 604370. Disease mechanism: loss of function.

Allele frequency attached by ClinVar (database versions not stated): 1000 Genomes Project 0.00439; gnomAD 0.01282 and 0.01336; 1000 Genomes Project 30x 0.00547; TOPMed 0.00971.
gnomAD v4.1: 1,914 of 149,114 alleles (1.3%); highest among the groups gnomAD compares: Non-Finnish European, 1.7%; 21 homozygotes.

Submissions (2):

Evidence-based Network for the Interpretation of Germline Mutant Alleles (ENIGMA)
Classification: Benign for Breast-ovarian cancer, familial 1. Last evaluated: 2015-01-12. Review status: reviewed by expert panel. Criteria: ENIGMA BRCA1/2 Classification Criteria (2015). Collection method: curation. Allele origin: germline.
Comment: Class 1 not pathogenic based on frequency >1% in an outbred sampleset. Frequency 0.02902 (European), derived from 1000 genomes (2012-04-30).

Breakthrough Genomics
Classification: Benign. Review status: criteria provided, single submitter. Criteria: ACMG Guidelines, 2015. Collection method: not provided. Allele origin: germline. Inheritance: Autosomal recessive inheritance. Affected: yes. Not counted in ClinVar's aggregate classification.

NM_007294.4(BRCA1):c.442-983G>A

Gene: BRCA1 (BRCA1 DNA repair associated; minus strand). Cytogenetic location: 17q21.31.
Variant type: single nucleotide variant.
Coding change: c.442-983G>A on transcript NM_007294.4 (MANE Select); 983 bases into the intron before coding-DNA position 442, G replaced by A.
Molecular consequence: intron variant.
Genome position (GRCh38, 1-based): chr17:43,100,863, C>T on the plus strand (G>A on the coding strand, the complement: BRCA1 is on the minus strand). VCF-style: chr17-43100863-C-T. GRCh37 (hg19) VCF-style: chr17-41252880-C-T.
Other names: IVS 7-983G>A; c.301-983G>A (NM_001407725.1, NM_001407727.1, NM_001407724.1 and 61 more transcripts); c.442-983G>A (NM_001408422.1, NM_001408440.1, NM_001408428.1 and 96 more transcripts); c.232-986G>A (NM_001407896.1, NM_001407571.1, NM_001407917.1 and 18 more transcripts); c.232-983G>A (NM_001407900.1, NM_001407952.1, NM_001407950.1 and 37 more transcripts); c.301-986G>A (NM_001407841.1, NM_001408462.1, NM_001407838.1 and 35 more transcripts); c.364-986G>A (NM_001407874.1, NM_001408416.1, NM_001408475.1 and 6 more transcripts); c.442-986G>A (NM_001408450.1, NM_001408434.1, NM_001407672.1 and 65 more transcripts); and 6 more.
Identifiers: ClinVar variation 209474 (VCV000209474.3), dbSNP rs148500539, ClinGen allele CA276444.